The following is an entry in ClinVar:

ClinVar aggregate classification (germline): Pathogenic (1 of 4 stars; one submission).

Conditions:
Fanconi anemia (FA). Also called: Fanconi's anemia. Identifiers: Orphanet 84, MedGen C0015625, MeSH D005199, MONDO:0019391.

Allele frequency attached by ClinVar (database versions not stated): gnomAD exomes below 0.00001.

Submission:

Labcorp Genetics (formerly Invitae), Labcorp
Classification: Pathogenic for Fanconi anemia. Last evaluated: 2024-02-02. Review status: criteria provided, single submitter. Criteria: Invitae Variant Classification Sherloc (09022015). Collection method: clinical testing. Allele origin: germline.
Comment: This sequence change creates a premature translational stop signal (p.Thr1174Asnfs*46) in the FANCI gene. It is expected to result in an absent or disrupted protein product. Loss-of-function variants in FANCI are known to be pathogenic (PMID: 17452773, 17460694). This variant is not present in population databases (gnomAD no frequency). This variant has not been reported in the literature in individuals affected with FANCI-related conditions. ClinVar contains an entry for this variant (Variation ID: 1960968). For these reasons, this variant has been classified as Pathogenic.

Literature cited by the submitters: PubMed 17452773; PubMed 17460694.

NM_001113378.2(FANCI):c.3520dup (p.Thr1174fs)

Gene: FANCI (FA complementation group I; plus strand). Cytogenetic location: 15q26.1.
Variant type: Duplication.
Coding change: c.3520dup on transcript NM_001113378.2 (MANE Select); coding-DNA position 3520, one base duplicated (A; older notation c.3520dupA).
Protein change: p.Thr1174fs; shifts the reading frame from threonine 1174.
Molecular consequence: frameshift variant.
Genome position (GRCh38, 1-based): chr15:89,306,177, A duplicated. VCF-style (leftmost placement, unchanged base first): chr15-89306176-T-TA. GRCh37 (hg19) VCF-style: chr15-89849407-T-TA.
Other names: c.3241dup, p.Thr1081fs (NM_001376910.1); c.3520dup, p.Thr1174fs (NM_001376911.1); c.3340dup, p.Thr1114fs (NM_018193.3); short protein forms T1174fs, T1081fs, T1114fs.
Identifiers: ClinVar variation 1960968 (VCV001960968.5), dbSNP rs2508509632, ClinGen allele CA2580090171.